The following is an entry in ClinVar:

ClinVar aggregate classification (germline): Uncertain significance (1 of 4 stars; one submission).

Conditions:
Inborn genetic diseases. Identifiers: MedGen C0950123, MeSH D030342.

gnomAD v4.1: 1 of 1,611,038 alleles (0.000062%); highest among the groups gnomAD compares: Non-Finnish European, 0.000085%; no homozygotes.

Submission:

Ambry Genetics
Classification: Uncertain significance for Inborn genetic diseases. Last evaluated: 2025-12-28. Review status: criteria provided, single submitter. Criteria: Ambry Variant Classification Scheme 2023. Collection method: clinical testing. Allele origin: germline.
Comment: The p.A207T variant (also known as c.619G>A), located in coding exon 4 of the ANKRD26 gene, results from a G to A substitution at nucleotide position 619. The alanine at codon 207 is replaced by threonine, an amino acid with similar properties. This amino acid position is conserved. In addition, this alteration is predicted to be tolerated by in silico analysis. Based on the available evidence, the clinical significance of this variant remains unclear.

NM_014915.3(ANKRD26):c.619G>A (p.Ala207Thr)

Gene: ANKRD26 (ankyrin repeat domain 26; minus strand). Cytogenetic location: 10p12.1.
Variant type: single nucleotide variant.
Coding change: c.619G>A on transcript NM_014915.3 (MANE Select); coding-DNA position 619, G replaced by A.
Protein change: p.Ala207Thr; replaces alanine 207 with threonine.
Molecular consequence: missense variant.
Genome position (GRCh38, 1-based): chr10:27,092,425, C>T on the plus strand (G>A on the coding strand, the complement: ANKRD26 is on the minus strand). VCF-style: chr10-27092425-C-T. GRCh37 (hg19) VCF-style: chr10-27381354-C-T.
Other names: c.619G>A, p.Ala207Thr (NM_001256053.2); short protein forms A207T.
Identifiers: ClinVar variation 4842353 (VCV004842353.1).
Genomic context (GRCh38, chr10:27,092,425, plus strand): 5'-CATACAAGTTTAAAAATCCAAAACAAAACCAGCTACTGTACCTTTCCAACTTATCTACTG[C>T]ATTTACATTTGCTTTTTTCTTTATTAAAAATTCCACCATTTGCTGCTTTTTTCCACTTAC-3'
Protein context (NP_055730.2, residues 197-217): FLIKKKANVN[Ala207Thr]VDKLESSHQL